The following is an entry in ClinVar:

NM_024577.4(SH3TC2):c.910G>A (p.Gly304Arg)

Gene: SH3TC2 (SH3 domain and tetratricopeptide repeats 2; minus strand). Cytogenetic location: 5q32.
Variant type: single nucleotide variant.
Coding change: c.910G>A on transcript NM_024577.4 (MANE Select); coding-DNA position 910, G replaced by A.
Protein change: p.Gly304Arg; replaces glycine 304 with arginine.
Molecular consequence: missense variant.
Genome position (GRCh38, 1-based): chr5:149,038,386, C>T on the plus strand (G>A on the coding strand, the complement: SH3TC2 is on the minus strand). VCF-style: chr5-149038386-C-T. GRCh37 (hg19) VCF-style: chr5-148417949-C-T.
Other names: short protein forms G304R.
Identifiers: ClinVar variation 1030853 (VCV001030853.8), dbSNP rs1754317705, ClinGen allele CA361672737.

ClinVar aggregate classification (germline): Uncertain significance. Review status: criteria provided, multiple submitters, no conflicts (2 of 4 stars). 2 submissions from 2 submitters: Uncertain significance (2). Last evaluated 2021-05-19.

Conditions:
Charcot-Marie-Tooth disease type 4. Also called: Charcot-Marie-Tooth disease, type IV; Charcot-Marie-Tooth, Type 4. Identifiers: Orphanet 64749, MedGen C4082197, MONDO:0018995.
Charcot-Marie-Tooth disease type 4C (CMT4C). Also called: CHARCOT-MARIE-TOOTH DISEASE, DEMYELINATING, TYPE 4C; CMT 4C; CHARCOT-MARIE-TOOTH DISEASE, DEMYELINATING, AUTOSOMAL RECESSIVE, TYPE 4C; Charcot-Marie-Tooth Neuropathy Type 4C (CMT4C); SH3TC2-Related Hereditary Motor and Sensory Neuropathy. Identifiers: Orphanet 99949, MedGen C1866636, MONDO:0011113, OMIM 601596.

Allele frequency attached by ClinVar (database versions not stated): gnomAD exomes 0.00001.
gnomAD v4.1: 4 of 1,614,186 alleles (0.00025%); highest among the groups gnomAD compares: South Asian, 0.0044%; no homozygotes.

Submissions (2):

Labcorp Genetics (formerly Invitae), Labcorp
Classification: Uncertain significance for Charcot-Marie-Tooth disease type 4. Last evaluated: 2021-05-19. Review status: criteria provided, single submitter. Criteria: Invitae Variant Classification Sherloc (09022015). Collection method: clinical testing. Allele origin: germline.
Comment: In summary, the available evidence is currently insufficient to determine the role of this variant in disease. Therefore, it has been classified as a Variant of Uncertain Significance. Algorithms developed to predict the effect of sequence changes on RNA splicing suggest that this variant may create or strengthen a splice site, but this prediction has not been confirmed by published transcriptional studies. Advanced modeling of protein sequence and biophysical properties (such as structural, functional, and spatial information, amino acid conservation, physicochemical variation, residue mobility, and thermodynamic stability) performed at Invitae indicates that this missense variant is not expected to disrupt SH3TC2 protein function. This variant has not been reported in the literature in individuals with SH3TC2-related conditions. ClinVar contains an entry for this variant (Variation ID: 1030853). This variant is not present in population databases (ExAC no frequency). This sequence change replaces glycine with arginine at codon 304 of the SH3TC2 protein (p.Gly304Arg). The glycine residue is highly conserved and there is a moderate physicochemical difference between glycine and arginine.

Baylor Genetics
Classification: Uncertain significance for Charcot-Marie-Tooth disease type 4C. Last evaluated: 2019-09-19. Review status: criteria provided, single submitter. Criteria: ACMG Guidelines, 2015. Collection method: clinical testing. Allele origin: unknown. Affected: yes.
Comment: This variant was determined to be of uncertain significance according to ACMG Guidelines, 2015 [PMID:25741868].